The following is an entry in ClinVar:

ClinVar aggregate classification (germline): Uncertain significance (1 of 4 stars; one submission).

Conditions:
Nemaline myopathy 2 (NEM2). Also called: Nemaline myopathy 2, autosomal recessive. Identifiers: MedGen C1850569, MONDO:0009725, OMIM 256030.

Allele frequency attached by ClinVar (database versions not stated): TOPMed 0.00001.
gnomAD v4.1: 7 of 1,613,736 alleles (0.00043%); highest among the groups gnomAD compares: Non-Finnish European, 0.00042%; no homozygotes.

Submission:

Labcorp Genetics (formerly Invitae), Labcorp
Classification: Uncertain significance for Nemaline myopathy 2. Last evaluated: 2022-10-18. Review status: criteria provided, single submitter. Criteria: Invitae Variant Classification Sherloc (09022015). Collection method: clinical testing. Allele origin: germline.
Comment: This sequence change replaces arginine, which is basic and polar, with serine, which is neutral and polar, at codon 1612 of the NEB protein (p.Arg1612Ser). This variant is present in population databases (rs200545007, gnomAD 0.002%). This variant has not been reported in the literature in individuals affected with NEB-related conditions. ClinVar contains an entry for this variant (Variation ID: 848964). Algorithms developed to predict the effect of missense changes on protein structure and function are either unavailable or do not agree on the potential impact of this missense change (SIFT: "Deleterious"; PolyPhen-2: "Not Available"; Align-GVGD: "Class C0"). In summary, the available evidence is currently insufficient to determine the role of this variant in disease. Therefore, it has been classified as a Variant of Uncertain Significance.

NM_001164508.2(NEB):c.4834C>A (p.Arg1612Ser)

Gene: NEB (nebulin; minus strand). Cytogenetic location: 2q23.3.
Variant type: single nucleotide variant.
Coding change: c.4834C>A on transcript NM_001164508.2 (MANE Select); coding-DNA position 4834, C replaced by A.
Protein change: p.Arg1612Ser; replaces arginine 1612 with serine.
Molecular consequence: missense variant.
Genome position (GRCh38, 1-based): chr2:151,666,287, G>T on the plus strand (C>A on the coding strand, the complement: NEB is on the minus strand). VCF-style: chr2-151666287-G-T. GRCh37 (hg19) VCF-style: chr2-152522801-G-T.
Other names: c.4834C>A, p.Arg1612Ser (NM_001164507.2, NM_001271208.2, NM_004543.5); short protein forms R1612S.
Identifiers: ClinVar variation 848964 (VCV000848964.6), dbSNP rs200545007, ClinGen allele CA1910524.
Genomic context (GRCh38, chr2:151,666,287, plus strand): 5'-CCATATCCAGAGGTGTGTGGTACTTGGTCTTGCTGGCTTCATAGCCCTTTTTGTACTCAC[G>T]ATCAGACTGGATTTTGGCCACATTCATGTAGTGAACCAGTTTAGGATCATCCTGAAGACT-3'
Protein context (NP_001157980.2, residues 1602-1622): YMNVAKIQSD[Arg1612Ser]EYKKGYEASK